The following is an entry in ClinVar:

ClinVar aggregate classification (germline): Uncertain significance (1 of 4 stars; one submission).

Conditions:
Singleton-Merten syndrome 1 (SGMRT1). Also called: Widened medullary cavities of bone, aortic calcification, abnormal dentition, and muscular weakness; Syndrome of widened medullary cavities of the metacarpals and phalanges, aortic calcification and abnormal dentition. Identifiers: Orphanet 85191, MedGen C4225427, MONDO:0024535, OMIM 182250.
Aicardi-Goutieres syndrome 7 (AGS7). Identifiers: Orphanet 51, MedGen C3888244, MONDO:0014367, OMIM 615846.

Submission:

Labcorp Genetics (formerly Invitae), Labcorp
Classification: Uncertain significance for Aicardi-Goutieres syndrome 7; Singleton-Merten syndrome 1. Last evaluated: 2024-02-22. Review status: criteria provided, single submitter. Criteria: Invitae Variant Classification Sherloc (09022015). Collection method: clinical testing. Allele origin: germline.
Comment: This sequence change replaces histidine, which is basic and polar, with tyrosine, which is neutral and polar, at codon 871 of the IFIH1 protein (p.His871Tyr). The frequency data for this variant in the population databases is considered unreliable, as metrics indicate poor data quality at this position in the gnomAD database. This variant has not been reported in the literature in individuals affected with IFIH1-related conditions. Advanced modeling of protein sequence and biophysical properties (such as structural, functional, and spatial information, amino acid conservation, physicochemical variation, residue mobility, and thermodynamic stability) has been performed at Invitae for this missense variant, however the output from this modeling did not meet the statistical confidence thresholds required to predict the impact of this variant on IFIH1 protein function. In summary, the available evidence is currently insufficient to determine the role of this variant in disease. Therefore, it has been classified as a Variant of Uncertain Significance.

NM_022168.4(IFIH1):c.2611C>T (p.His871Tyr)

Gene: IFIH1 (interferon induced with helicase C domain 1; minus strand). Cytogenetic location: 2q24.2.
Variant type: single nucleotide variant.
Coding change: c.2611C>T on transcript NM_022168.4 (MANE Select); coding-DNA position 2611, C replaced by T.
Protein change: p.His871Tyr; replaces histidine 871 with tyrosine.
Molecular consequence: missense variant.
Genome position (GRCh38, 1-based): chr2:162,272,231, G>A on the plus strand (C>T on the coding strand, the complement: IFIH1 is on the minus strand). VCF-style: chr2-162272231-G-A. GRCh37 (hg19) VCF-style: chr2-163128741-G-A.
Other names: short protein forms H871Y.
Identifiers: ClinVar variation 3753617 (VCV003753617.2).